The following is an entry in ClinVar:

ClinVar aggregate classification (germline): other (0 of 4 stars; one submission).

Conditions:
Familial colorectal cancer. Identifiers: MedGen CN280943, MONDO:0023113. Disease mechanism: loss of function.

Submission:

Systems Biology Platform Zhejiang California International NanoSystems Institute
Classification: other for Familial colorectal cancer. Review status: no assertion criteria provided. Collection method: not provided. Allele origin: unknown.
ClinVar note: Converted during submission from cancer to other.

NM_000038.6(APC):c.1744-1872T>C

Gene: APC (APC regulator of WNT signaling pathway; plus strand). Cytogenetic location: 5q22.2.
Variant type: single nucleotide variant.
Coding change: c.1744-1872T>C on transcript NM_000038.6 (MANE Select); 1872 bases into the intron before coding-DNA position 1744, T replaced by C.
Molecular consequence: intron variant.
Genome position (GRCh38, 1-based): chr5:112,833,079, T>C. VCF-style: chr5-112833079-T-C. GRCh37 (hg19) VCF-style: chr5-112168776-T-C.
Other names: c.1744-1872T>C (NM_001354895.2, NM_001127510.3); c.1774-1872T>C (NM_001354897.2); c.1471-1872T>C (NM_001354902.2); c.1690-1872T>C (NM_001127511.3); c.1669-1872T>C (NM_001354898.2); c.1366-1872T>C (NM_001354904.2); c.895-1872T>C (NM_001354906.2); c.1798-1872T>C (NM_001354896.2); and 5 more.
Identifiers: ClinVar variation 82605 (VCV000082605.2), dbSNP rs77766685, ClinGen allele CA005781.